The following is an entry in ClinVar:

ClinVar aggregate classification (germline): Likely benign. Review status: criteria provided, multiple submitters, no conflicts (2 of 4 stars). 2 submissions from 2 submitters: Likely benign (2). Last evaluated 2026-06-18.

Conditions:
Nephronophthisis 15 (NPHP15). Identifiers: Orphanet 3156, MedGen C3541853, MONDO:0013917, OMIM 614845.
CEP164-related disorder. Also called: CEP164-related condition.

Allele frequency attached by ClinVar (database versions not stated): ExAC 0.00001; gnomAD 0.00001; TOPMed 0.00001; gnomAD exomes 0.00002; ESP Exome Variant Server 0.00008.
gnomAD v4.1: 25 of 1,613,926 alleles (0.0015%); highest among the groups gnomAD compares: Non-Finnish European, 0.0021%; no homozygotes.

Submissions (2):

PreventionGenetics, part of Exact Sciences
Classification: Likely benign for CEP164-related condition. Last evaluated: 2026-06-18. Review status: criteria provided, single submitter. Criteria: ACMG Guidelines, 2015. Collection method: clinical testing. Allele origin: germline.
Comment: This variant is classified as likely benign based on ACMG/AMP sequence variant interpretation guidelines (Richards et al. 2015 PMID: 25741868, with internal and published modifications).

Labcorp Genetics (formerly Invitae), Labcorp
Classification: Likely benign for Nephronophthisis 15. Last evaluated: 2022-08-15. Review status: criteria provided, single submitter. Criteria: Invitae Variant Classification Sherloc (09022015). Collection method: clinical testing. Allele origin: germline.

NM_014956.5(CEP164):c.2736C>T (p.Asp912=)

Gene: CEP164 (centrosomal protein 164; plus strand). Cytogenetic location: 11q23.3.
Variant type: single nucleotide variant.
Coding change: c.2736C>T on transcript NM_014956.5 (MANE Select); coding-DNA position 2736, C replaced by T.
Protein change: p.Asp912=; no amino-acid change (aspartic acid 912 retained).
Molecular consequence: synonymous variant.
Genome position (GRCh38, 1-based): chr11:117,394,469, C>T. VCF-style: chr11-117394469-C-T. GRCh37 (hg19) VCF-style: chr11-117265185-C-T.
Other names: c.2745C>T, p.Asp915= (NM_001271933.2); c.2736C>T (NM_014956.4).
Identifiers: ClinVar variation 1594707 (VCV001594707.9), dbSNP rs368860298, ClinGen allele CA6295194.
Genomic context (GRCh38, chr11:117,394,469, plus strand): 5'-GAGGGCCCATGAACGAGAACTGGAGACTGTGAGGCAGGAGCAACACAAGCGTCTTGAGGA[C>T]TTGCGGCGCCGGCACAGGGAGCAGGTGAGGGGCCTGGGGCAGGGTGAGCCCACTGTGACC-3'
Protein context (NP_055771.4, residues 902-922): VRQEQHKRLE[Asp912=]LRRRHREQER